The following is an entry in ClinVar:

NM_007294.4(BRCA1):c.159C>T (p.Asn53=)

Gene: BRCA1 (BRCA1 DNA repair associated; minus strand). Cytogenetic location: 17q21.31.
Variant type: single nucleotide variant.
Coding change: c.159C>T on transcript NM_007294.4 (MANE Select); coding-DNA position 159, C replaced by T.
Protein change: p.Asn53=; no amino-acid change (asparagine 53 retained).
Molecular consequence: synonymous variant. On other transcripts: 5 prime UTR variant (61), intron variant (34).
Genome position (GRCh38, 1-based): chr17:43,106,509, G>A on the plus strand (C>T on the coding strand, the complement: BRCA1 is on the minus strand). VCF-style: chr17-43106509-G-A. GRCh37 (hg19) VCF-style: chr17-41258526-G-A.
Other names: c.159C>T, p.Asn53= (NM_001407624.1, NM_001407625.1, NM_001407626.1 and 168 more transcripts); c.18C>T, p.Asn6= (NM_001407692.1, NM_001407694.1, NM_001407695.1 and 99 more transcripts); c.-30C>T (NM_001407853.1, NM_001407879.1, NM_001407881.1 and 58 more transcripts); c.-218-11649C>T (NM_001407967.1, NM_001407966.1); c.-169-1553C>T (NM_001407959.1, NM_001407962.1, NM_001408512.1 and 4 more transcripts); c.81-1553C>T (NM_001408451.1); c.135-1553C>T (NM_001408475.1, NM_001407875.1, NM_001407659.1 and 21 more transcripts).
Identifiers: ClinVar variation 415601 (VCV000415601.15), dbSNP rs1060504588, ClinGen allele CA16615420.

ClinVar aggregate classification (germline): Likely benign (1 of 4 stars; one submission).

Conditions:
Hereditary breast ovarian cancer syndrome. Also called: Hereditary breast and ovarian cancer syndrome; Breast and ovarian cancer; Hereditary breast and ovarian cancer syndrome (HBOC); Hereditary breast and/or ovarian cancer syndrome; BRCA1- and BRCA2-Associated Hereditary Breast and Ovarian Cancer; Hereditary breast and ovarian cancer. Identifiers: Orphanet 145, MedGen C0677776, MeSH D061325, MONDO:0003582. Disease mechanism: loss of function.

Submissions (2):

Labcorp Genetics (formerly Invitae), Labcorp
Classification: Likely benign for Hereditary breast ovarian cancer syndrome. Last evaluated: 2016-08-09. Review status: criteria provided, single submitter. Criteria: Invitae Variant Classification Sherloc (09022015). Collection method: clinical testing. Allele origin: germline.

Brotman Baty Institute, University of Washington
No classification provided (evidence only). Condition: Breast-ovarian cancer, familial 1. Review status: no classification provided. Collection method: in vitro. Allele origin: not applicable. Functional consequence: functionally_normal. Not counted in ClinVar's aggregate classification.
ClinVar note: "not provided" was previously submitted as the classification for the variant. However, the classification appeared to be based only on an observation of functional data so it was converted to no classification on 2025-07-30.